The following is an entry in ClinVar:

NM_019888.3(MC3R):c.470C>A (p.Thr157Asn)

Gene: MC3R (melanocortin 3 receptor; plus strand). Cytogenetic location: 20q13.2.
Variant type: single nucleotide variant.
Coding change: c.470C>A on transcript NM_019888.3 (MANE Select); coding-DNA position 470, C replaced by A.
Protein change: p.Thr157Asn; replaces threonine 157 with asparagine.
Molecular consequence: missense variant.
Genome position (GRCh38, 1-based): chr20:56,249,313, C>A. VCF-style: chr20-56249313-C-A. GRCh37 (hg19) VCF-style: chr20-54824369-C-A.
Other names: short protein forms T157N.
Identifiers: ClinVar variation 2309128 (VCV002309128.8), dbSNP rs138496952, ClinGen allele CA9917017.

ClinVar aggregate classification (germline): Uncertain significance. Review status: criteria provided, multiple submitters, no conflicts (2 of 4 stars). 3 submissions from 3 submitters: Uncertain significance (3). Last evaluated 2026-09-10.

Conditions:
MC3R-related disorder. Also called: MC3R-related condition.

Allele frequency attached by ClinVar (database versions not stated): gnomAD exomes 0.00004; ExAC 0.00009; ESP Exome Variant Server 0.00015; 1000 Genomes Project 30x 0.00016; TOPMed 0.00017; 1000 Genomes Project 0.00020; gnomAD 0.00023.

Submissions (3):

PreventionGenetics, part of Exact Sciences
Classification: Uncertain significance for MC3R-related condition. Last evaluated: 2026-09-10. Review status: criteria provided, single submitter. Criteria: ACMG Guidelines, 2015. Collection method: clinical testing. Allele origin: germline.
Comment: The MC3R c.470C>A variant is predicted to result in the amino acid substitution p.Thr157Asn. To our knowledge, this variant has not been reported in the literature. This variant is reported in 0.076% of alleles in individuals of African descent in gnomAD, which may be too common to be causative. Although we suspect that this variant may be benign, at this time, the clinical significance of this variant is uncertain due to the absence of conclusive functional and genetic evidence.

Labcorp Genetics (formerly Invitae), Labcorp
Classification: Uncertain significance. Last evaluated: 2024-10-07. Review status: criteria provided, single submitter. Criteria: Invitae Variant Classification Sherloc (09022015). Collection method: clinical testing. Allele origin: germline.
Comment: This sequence change replaces threonine, which is neutral and polar, with asparagine, which is neutral and polar, at codon 157 of the MC3R protein (p.Thr157Asn). This variant is present in population databases (rs138496952, gnomAD 0.07%), and has an allele count higher than expected for a pathogenic variant. This variant has not been reported in the literature in individuals affected with MC3R-related conditions. ClinVar contains an entry for this variant (Variation ID: 2309128). An algorithm developed to predict the effect of missense changes on protein structure and function (PolyPhen-2) suggests that this variant is likely to be disruptive. In summary, the available evidence is currently insufficient to determine the role of this variant in disease. Therefore, it has been classified as a Variant of Uncertain Significance.

Ambry Genetics
Classification: Uncertain significance. Last evaluated: 2024-07-26. Review status: criteria provided, single submitter. Criteria: Ambry Variant Classification Scheme 2023. Collection method: clinical testing. Allele origin: germline.